The following is an entry in ClinVar:

ClinVar aggregate classification (germline): Likely benign. Review status: criteria provided, multiple submitters, no conflicts (2 of 4 stars). 3 submissions from 3 submitters: Likely benign (3). Last evaluated 2026-09-17.

Conditions:
Cardiovascular phenotype. Identifiers: MedGen CN230736.
CACNB2-related disorder. Also called: CACNB2-related condition.
Brugada syndrome 4 (BRGDA4). Identifiers: Orphanet 130, MedGen C2678477, MONDO:0012743, OMIM 611876.

Allele frequency attached by ClinVar (database versions not stated): gnomAD exomes below 0.00001; ExAC 0.00001; gnomAD 0.00001; TOPMed 0.00001; ESP Exome Variant Server 0.00008.
gnomAD v4.1: 7 of 1,613,986 alleles (0.00043%); highest among the groups gnomAD compares: Non-Finnish European, 0.00059%; no homozygotes.

Submissions (3):

PreventionGenetics, part of Exact Sciences
Classification: Likely benign for CACNB2-related condition. Last evaluated: 2026-09-17. Review status: criteria provided, single submitter. Criteria: ACMG Guidelines, 2015. Collection method: clinical testing. Allele origin: germline.
Comment: This variant is classified as likely benign based on ACMG/AMP sequence variant interpretation guidelines (Richards et al. 2015 PMID: 25741868, with internal and published modifications).

Labcorp Genetics (formerly Invitae), Labcorp
Classification: Likely benign for Brugada syndrome 4. Last evaluated: 2024-12-23. Review status: criteria provided, single submitter. Criteria: Invitae Variant Classification Sherloc (09022015). Collection method: clinical testing. Allele origin: germline.

Ambry Genetics
Classification: Likely benign for Cardiovascular phenotype. Last evaluated: 2019-07-28. Review status: criteria provided, single submitter. Criteria: Ambry Variant Classification Scheme 2023. Collection method: clinical testing. Allele origin: germline.

NM_201596.3(CACNB2):c.1308G>C (p.Leu436=)

Gene: CACNB2 (calcium voltage-gated channel auxiliary subunit beta 2; plus strand). Cytogenetic location: 10p12.31.
Variant type: single nucleotide variant.
Coding change: c.1308G>C on transcript NM_201596.3 (MANE Select); coding-DNA position 1308, G replaced by C.
Protein change: p.Leu436=; no amino-acid change (leucine 436 retained).
Molecular consequence: synonymous variant.
Genome position (GRCh38, 1-based): chr10:18,538,185, G>C. VCF-style: chr10-18538185-G-C. GRCh37 (hg19) VCF-style: chr10-18827114-G-C.
Other names: c.1143G>C, p.Leu381= (NM_000724.4); c.1110G>C, p.Leu370= (NM_001167945.2); c.1029G>C, p.Leu343= (NM_001330060.2); c.1050G>C, p.Leu350= (NM_001410882.1); c.1164G>C, p.Leu388= (NM_201570.3); c.1224G>C, p.Leu408= (NM_201571.4); c.1152G>C, p.Leu384= (NM_201572.4); c.1146G>C, p.Leu382= (NM_201590.3); and 2 more.
Identifiers: ClinVar variation 1732682 (VCV001732682.8), dbSNP rs140504529, ClinGen allele CA5430005.